The following is an entry in ClinVar:

NM_001368894.2(PAX6):c.724+8_724+9del

Gene: PAX6 (paired box 6; minus strand). Cytogenetic location: 11p13.
Variant type: Microsatellite.
Coding change: c.724+8_724+9del on transcript NM_001368894.2 (MANE Select); bases 8 to 9 of the intron after coding-DNA position 724, 2 bases deleted (AG; older notation c.724+8_724+9delAG).
Molecular consequence: intron variant.
Genome position (GRCh38, 1-based): chr11:31,794,621-31,794,622, CT deleted on the plus strand (AG on the coding strand, the reverse complement: PAX6 is on the minus strand); deleting any 2 consecutive bases within chr11:31,794,621-31,794,624 gives the same sequence; the c. name uses the placement nearest the transcript's 3' end. VCF-style (leftmost placement, unchanged base first): chr11-31794620-ACT-A. GRCh37 (hg19) VCF-style: chr11-31816168-ACT-A.
Other names: c.682+8_682+9del (NM_001127612.3, NM_001368890.2, NM_001368888.2 and 10 more transcripts); c.523+8_523+9del (NM_001368921.2, NM_001368923.2, NM_001368926.2 and 4 more transcripts); c.724+8_724+9del (NM_001258462.3, NM_001310158.2, NM_001258463.2 and 6 more transcripts); c.799+8_799+9del (NM_001368919.2, NM_001368918.2); c.925+8_925+9del (NM_001368910.2); c.274+8_274+9del (NM_001368909.2, NM_001368904.2, NM_001368905.2 and 11 more transcripts); c.727+8_727+9del (NM_001368911.2); c.481+8_481+9del (NM_001368928.2); and 2 more.
Identifiers: ClinVar variation 2002013 (VCV002002013.4), dbSNP rs2495294668, ClinGen allele CA2580615656.

ClinVar aggregate classification (germline): Uncertain significance (1 of 4 stars; one submission).

Conditions:
Aniridia 1 (AN1). Identifiers: Orphanet 250923, MedGen C0344542, MONDO:0024507, OMIM 106210.
Irido-corneo-trabecular dysgenesis (ASGD5). Also called: ANTERIOR SEGMENT DYSGENESIS 5. Identifiers: Orphanet 708, MedGen C0344559, MONDO:0011414, OMIM 604229, HP:0000659.

Submission:

Labcorp Genetics (formerly Invitae), Labcorp
Classification: Uncertain significance for Aniridia 1; Irido-corneo-trabecular dysgenesis. Last evaluated: 2022-10-17. Review status: criteria provided, single submitter. Criteria: Invitae Variant Classification Sherloc (09022015). Collection method: clinical testing. Allele origin: germline.
Comment: This sequence change falls in intron 8 of the PAX6 gene. It does not directly change the encoded amino acid sequence of the PAX6 protein. This variant is not present in population databases (gnomAD no frequency). This variant has not been reported in the literature in individuals affected with PAX6-related conditions. Algorithms developed to predict the effect of sequence changes on RNA splicing suggest that this variant may disrupt the consensus splice site. In summary, the available evidence is currently insufficient to determine the role of this variant in disease. Therefore, it has been classified as a Variant of Uncertain Significance.